The following is an entry in ClinVar:

ClinVar aggregate classification (germline): Uncertain significance (1 of 4 stars; one submission).

Conditions:
Inborn genetic diseases. Identifiers: MedGen C0950123, MeSH D030342.

Submission:

Ambry Genetics
Classification: Uncertain significance for Inborn genetic diseases. Last evaluated: 2024-06-07. Review status: criteria provided, single submitter. Criteria: Ambry Variant Classification Scheme 2023. Collection method: clinical testing. Allele origin: germline.
Comment: The p.V963A variant (also known as c.2888T>C), located in coding exon 19 of the PIK3CA gene, results from a T to C substitution at nucleotide position 2888. The valine at codon 963 is replaced by alanine, an amino acid with similar properties. This amino acid position is conserved. In addition, this alteration is predicted to be deleterious by in silico analysis. Based on the available evidence, the clinical significance of this variant remains unclear.

NM_006218.4(PIK3CA):c.2888T>C (p.Val963Ala)

Gene: PIK3CA (phosphatidylinositol-4,5-bisphosphate 3-kinase catalytic subunit alpha; plus strand). Cytogenetic location: 3q26.32.
Variant type: single nucleotide variant.
Coding change: c.2888T>C on transcript NM_006218.4 (MANE Select); coding-DNA position 2888, T replaced by C.
Protein change: p.Val963Ala; replaces valine 963 with alanine.
Molecular consequence: missense variant.
Genome position (GRCh38, 1-based): chr3:179,230,328, T>C. VCF-style: chr3-179230328-T-C. GRCh37 (hg19) VCF-style: chr3-178948116-T-C.
Other names: short protein forms V963A.
Identifiers: ClinVar variation 3306600 (VCV003306600.1).